The following is an entry in ClinVar:

NM_004336.5(BUB1):c.1507_1508del (p.Gln503fs)

Gene: BUB1 (BUB1 mitotic checkpoint serine/threonine kinase; minus strand). Cytogenetic location: 2q13.
Variant type: Deletion.
Coding change: c.1507_1508del on transcript NM_004336.5 (MANE Select); coding-DNA positions 1507 to 1508, 2 bases deleted (CA; older notation c.1507_1508delCA).
Protein change: p.Gln503fs; shifts the reading frame from glutamine 503.
Molecular consequence: frameshift variant.
Genome position (GRCh38, 1-based): chr2:110,658,418-110,658,419, TG deleted on the plus strand (CA on the coding strand, the reverse complement: BUB1 is on the minus strand). VCF-style (leftmost placement, unchanged base first): chr2-110658417-CTG-C. GRCh37 (hg19) VCF-style: chr2-111415994-CTG-C.
Other names: c.1447_1448del, p.Gln483fs (NM_001278616.2); c.1507_1508del, p.Gln503fs (NM_001278617.2); short protein forms Q483fs, Q503fs.
Identifiers: ClinVar variation 3640714 (VCV003640714.2).

ClinVar aggregate classification (germline): Uncertain significance (1 of 4 stars; one submission).

Submission:

Labcorp Genetics (formerly Invitae), Labcorp
Classification: Uncertain significance. Last evaluated: 2025-07-22. Review status: criteria provided, single submitter. Criteria: Invitae Variant Classification Sherloc (09022015). Collection method: clinical testing. Allele origin: germline.
Comment: This sequence change creates a premature translational stop signal (p.Gln503Valfs*15) in the BUB1 gene. It is expected to result in an absent or disrupted protein product. However, the current clinical and genetic evidence is not sufficient to establish whether loss-of-function variants in BUB1 cause disease. This variant is present in population databases (no rsID available, gnomAD 0.0009%). This premature translational stop signal has been observed in individual(s) with colorectal cancer (PMID: 28944238). This variant is also known as c.1447_1448delCA. ClinVar contains an entry for this variant (Variation ID: 3640714). In summary, the available evidence is currently insufficient to determine the role of this variant in disease. Therefore, it has been classified as a Variant of Uncertain Significance.

Literature cited by the submitters: PubMed 28944238.